The following is an entry in ClinVar:

ClinVar aggregate classification (germline): Uncertain significance (1 of 4 stars; one submission).

Submission:

Labcorp Genetics (formerly Invitae), Labcorp
Classification: Uncertain significance. Last evaluated: 2025-08-10. Review status: criteria provided, single submitter. Criteria: Invitae Variant Classification Sherloc (09022015). Collection method: clinical testing. Allele origin: germline.
Comment: This sequence change creates a premature translational stop signal (p.Lys510Asnfs*3) in the FH gene. While this is not anticipated to result in nonsense mediated decay, it is expected to disrupt the last 1 amino acid(s) of the FH protein and extend the protein by an additional 2 amino acid(s). This variant is not present in population databases (gnomAD no frequency). This variant has not been reported in the literature in individuals affected with FH-related conditions. Experimental studies and prediction algorithms are not available or were not evaluated, and the functional significance of this variant is currently unknown. In summary, the available evidence is currently insufficient to determine the role of this variant in disease. Therefore, it has been classified as a Variant of Uncertain Significance.

NM_000143.4(FH):c.1530_*10del (p.Lys510fs)

Gene: FH (fumarate hydratase; minus strand). Cytogenetic location: 1q43.
Variant type: Deletion.
Coding change: c.1530_*10del on transcript NM_000143.4 (MANE Select); coding-DNA position 1530 through 10 bases downstream of the stop codon, 14 bases deleted (GTGATTTACATAAA).
Protein change: p.Lys510fs; shifts the reading frame from lysine 510.
Molecular consequence: frameshift variant.
Genome position (GRCh38, 1-based): chr1:241,497,818-241,497,831, TTTATGTAAATCAC deleted on the plus strand (GTGATTTACATAAA on the coding strand, the reverse complement: FH is on the minus strand); deleting any 14 consecutive bases within chr1:241,497,818-241,497,834 gives the same sequence; the c. name uses the placement nearest the transcript's 3' end. VCF-style (leftmost placement, unchanged base first): chr1-241497817-ATTTATGTAAATCAC-A. GRCh37 (hg19) VCF-style: chr1-241661117-ATTTATGTAAATCAC-A.
Other names: short protein forms K510fs.
Identifiers: ClinVar variation 4714921 (VCV004714921.1).